The following is an entry in ClinVar:

ClinVar aggregate classification (germline): Conflicting classifications of pathogenicity. Review status: criteria provided, conflicting classifications (1 of 4 stars). 11 submissions from 11 submitters: Pathogenic (1); Likely pathogenic (8); Uncertain significance (1). 1 of the submissions does not count toward it. Last evaluated 2025-08-28.

Conditions:
PYGM-related disorder. Also called: PYGM-related condition.
Glycogen storage disease. Also called: Disorder of glycogen metabolism; glycogen storage disorder. Identifiers: Orphanet 79201, MedGen C0017919, MONDO:0002412.
Glycogen storage disease, type V (GSD5). Also called: MCARDLE DISEASE; MUSCLE GLYCOGEN PHOSPHORYLASE DEFICIENCY; MYOPHOSPHORYLASE DEFICIENCY; PYGM DEFICIENCY; McArdle type glycogen storage disease. Identifiers: Orphanet 368, MedGen C0017924, MONDO:0009293, OMIM 232600.

Allele frequency attached by ClinVar (database versions not stated): TOPMed below 0.00001; ExAC 0.00001; gnomAD 0.00001; gnomAD exomes 0.00001 and 0.00002; ESP Exome Variant Server 0.00008.
gnomAD v4.1: 10 of 1,613,748 alleles (0.00062%); highest among the groups gnomAD compares: Admixed American, 0.0017%; no homozygotes.

Submissions (11):

Women's Health and Genetics/Laboratory Corporation of America, LabCorp
Classification: Likely pathogenic for Glycogen storage disease, type V. Last evaluated: 2025-08-28. Review status: criteria provided, single submitter. Criteria: LabCorp Variant Classification Summary - May 2015. Collection method: clinical testing. Allele origin: germline.
Comment: Variant summary: PYGM c.1708C>T (p.Arg570Trp) results in a non-conservative amino acid change in the encoded protein sequence. Algorithms developed to predict the effect of missense changes on protein structure and function all suggest that this variant is likely to be disruptive. The variant allele was found at a frequency of 1.6e-05 in 251478 control chromosomes. c.1708C>T has been observed in individual(s) affected with Glycogen Storage Disease, Type V (example: Deschauer_2007). These data do not allow any conclusion about variant significance. A different missense variant at the same codon (c.1709G>A, p.Arg570Gln) has been determined to be likely pathogenic/pathogenic by our laboratory (PMID: 17324573), supporting the critical relevance of codon 570 for PYGM protein function. The following publication has been ascertained in the context of this evaluation (PMID: 17404776). ClinVar contains an entry for this variant (Variation ID: 807666). Based on the evidence outlined above, the variant was classified as likely pathogenic.

Natera, Inc.
Classification: Likely pathogenic for Glycogen storage disease V. Last evaluated: 2025-08-15. Review status: criteria provided, single submitter. Criteria: Natera Variant Classification Schema (03/2026). Collection method: clinical testing. Allele origin: germline.
Comment: The c.1708C>T variant in PYGM is a missense variant predicted to cause substitution of arginine to tryptophan at amino acid 570. This variant is rare in the general population with a frequency below the threshold expected for the associated phenotype(s). This variant has been observed in one or more individuals affected with the associated recessive disease, as either homozygous or compound heterozygous with a second variant (PMID: 32075227). A different variant at the same position has been determined to be Pathogenic or Likely Pathogenic. Computational prediction algorithms indicate this variant is likely to affect gene or protein function. Given the available evidence, this variant is classified as Likely Pathogenic.

GeneDx
Classification: Likely pathogenic. Last evaluated: 2025-01-23. Review status: criteria provided, single submitter. Criteria: GeneDx Variant Classification Process June 2021. Collection method: clinical testing. Allele origin: germline. Affected: yes.
Comment: Not observed at significant frequency in large population cohorts (gnomAD); In silico analysis supports that this missense variant has a deleterious effect on protein structure/function; This variant is associated with the following publications: (PMID: 17404776)

Dubai Health Genomic Medicine Center, Dubai Health
Classification: Likely pathogenic for McArdle disease. Last evaluated: 2024-10-04. Review status: criteria provided, single submitter. Criteria: ACMG Guidelines, 2015. Collection method: research. Allele origin: germline. Affected: yes.
Comment: PM5,PM3,PM2,PP3

Labcorp Genetics (formerly Invitae), Labcorp
Classification: Pathogenic for Glycogen storage disease, type V. Last evaluated: 2024-08-05. Review status: criteria provided, single submitter. Criteria: Invitae Variant Classification Sherloc (09022015). Collection method: clinical testing. Allele origin: germline.
Comment: This sequence change replaces arginine, which is basic and polar, with tryptophan, which is neutral and slightly polar, at codon 570 of the PYGM protein (p.Arg570Trp). This variant is present in population databases (rs377225525, gnomAD 0.007%). This missense change has been observed in individual(s) with glycogen storage disease (PMID: 17404776). ClinVar contains an entry for this variant (Variation ID: 807666). Advanced modeling of protein sequence and biophysical properties (such as structural, functional, and spatial information, amino acid conservation, physicochemical variation, residue mobility, and thermodynamic stability) performed at Invitae indicates that this missense variant is expected to disrupt PYGM protein function with a positive predictive value of 95%. This variant disrupts the p.Arg570 amino acid residue in PYGM. Other variant(s) that disrupt this residue have been observed in individuals with PYGM-related conditions (PMID: 17324573), which suggests that this may be a clinically significant amino acid residue. For these reasons, this variant has been classified as Pathogenic.

Fulgent Genetics
Classification: Likely pathogenic for Glycogen storage disease, type V. Last evaluated: 2024-05-25. Review status: criteria provided, single submitter. Criteria: ACMG Guidelines, 2015. Collection method: clinical testing. Allele origin: germline.

Baylor Genetics
Classification: Likely pathogenic for Glycogen storage disease, type V. Last evaluated: 2024-03-24. Review status: criteria provided, single submitter. Criteria: ACMG Guidelines, 2015. Collection method: clinical testing. Allele origin: unknown.

Laboratory for Molecular Medicine, Mass General Brigham Personalized Medicine
Classification: Likely pathogenic for Glycogen storage disease. Last evaluated: 2022-08-26. Review status: criteria provided, single submitter. Criteria: ACMG Guidelines, 2015. Collection method: clinical testing. Allele origin: germline.
Comment: Muscle biopsy from the patient showed a muscle biopsy showed glycogen deposition and evidence of myophosphorylase deficiency (less than 5% residual activity) (Deschauer 2007 PMID: 17404776). The variant has also been identified in 0.002% (2/68026) European chromosomes by gnomAD. Computational prediction tools and conservation analyses suggest that this variant may impact the protein, though this information is not predictive enough to determine pathogenicity. In summary, although additional studies are required to fully establish its clinical significance, this variant meets criteria to be classified as likely pathogenic for autosomal recessive glycogen storage disease type V. ACMG/AMP Criteria applied: PM3, PS3, PP3, PM2_Supporting.

Revvity Omics, Revvity
Classification: Uncertain significance for Glycogen storage disease, type V. Last evaluated: 2020-04-17. Review status: criteria provided, single submitter. Criteria: ACMG Guidelines, 2015. Collection method: clinical testing. Allele origin: germline.

Institute of Human Genetics Munich, TUM University Hospital
Classification: Likely pathogenic for Glycogen storage disease, type V. Last evaluated: 2019-10-28. Review status: criteria provided, single submitter. Criteria: Classification criteria August 2017. Collection method: clinical testing. Allele origin: inherited. Inheritance: Autosomal recessive inheritance. Affected: yes. Observed: 1 heterozygote.

PreventionGenetics, part of Exact Sciences
Classification: Likely pathogenic for PYGM-related condition. Last evaluated: 2024-04-08. Review status: no assertion criteria provided. Collection method: clinical testing. Allele origin: germline. Not counted in ClinVar's aggregate classification.
Comment: The PYGM c.1708C>T variant is predicted to result in the amino acid substitution p.Arg570Trp. This variant was reported in an individual with McArdle disease (Deschauer et al. 2007. PubMed ID: 17404776). A different substitution affecting the same amino acid (p.Arg570Gln) was also reported in an individual with McArdle disease (Aquaron et al. 2007. PubMed ID: 17324573). This variant is reported in 0.0062% of alleles in individuals of African descent in gnomAD. This variant is interpreted as likely pathogenic.

Literature cited by the submitters: PubMed 17404776 (cited by 3 submitters); PubMed 32075227 (cited by Natera, Inc.); PubMed 17324573 (cited by Labcorp Genetics (formerly Invitae), Labcorp).

NM_005609.4(PYGM):c.1708C>T (p.Arg570Trp)

Gene: PYGM (glycogen phosphorylase, muscle associated; minus strand). Cytogenetic location: 11q13.1.
Variant type: single nucleotide variant.
Coding change: c.1708C>T on transcript NM_005609.4 (MANE Select); coding-DNA position 1708, C replaced by T.
Protein change: p.Arg570Trp; replaces arginine 570 with tryptophan.
Molecular consequence: missense variant.
Genome position (GRCh38, 1-based): chr11:64,751,984, G>A on the plus strand (C>T on the coding strand, the complement: PYGM is on the minus strand). VCF-style: chr11-64751984-G-A. GRCh37 (hg19) VCF-style: chr11-64519456-G-A.
Other names: c.1444C>T, p.Arg482Trp (NM_001164716.1); c.1708C>T (NM_005609.3); short protein forms R570W, R482W.
Identifiers: ClinVar variation 807666 (VCV000807666.21), dbSNP rs377225525, ClinGen allele CA6079775.